The following is an entry in ClinVar:

NM_014956.5(CEP164):c.1426C>T (p.Pro476Ser)

Gene: CEP164 (centrosomal protein 164; plus strand). Cytogenetic location: 11q23.3.
Variant type: single nucleotide variant.
Coding change: c.1426C>T on transcript NM_014956.5 (MANE Select); coding-DNA position 1426, C replaced by T.
Protein change: p.Pro476Ser; replaces proline 476 with serine.
Molecular consequence: missense variant.
Genome position (GRCh38, 1-based): chr11:117,381,717, C>T. VCF-style: chr11-117381717-C-T. GRCh37 (hg19) VCF-style: chr11-117252433-C-T.
Other names: c.1435C>T, p.Pro479Ser (NM_001271933.2, NM_001440949.1, NM_001440961.1 and 1 more transcripts); c.1426C>T, p.Pro476Ser (NM_001440950.1, NM_001440951.1, NM_001440953.1 and 10 more transcripts); c.1408C>T, p.Pro470Ser (NM_001440952.1, NM_001440968.1, NM_001440969.1 and 1 more transcripts); c.1348C>T, p.Pro450Ser (NM_001440954.1, NM_001440955.1, NM_001440958.1 and 12 more transcripts); c.1486C>T, p.Pro496Ser (NM_001440956.1, NM_001440957.1); c.1297C>T, p.Pro433Ser (NM_001440960.1); c.1267C>T, p.Pro423Ser (NM_001440972.1); short protein forms P423S, P433S, P496S, P476S, P470S, P450S, P479S.
Identifiers: ClinVar variation 5000683 (VCV005000683.1).

ClinVar aggregate classification (germline): Uncertain significance (1 of 4 stars; one submission).

Conditions:
CEP164-related disorder. Also called: CEP164-related condition.

gnomAD v4.1: 1 of 1,609,968 alleles (0.000062%); highest among the groups gnomAD compares: Non-Finnish European, 0.000085%; no homozygotes.

Submission:

PreventionGenetics, part of Exact Sciences
Classification: Uncertain significance for CEP164-related condition. Last evaluated: 2025-03-12. Review status: criteria provided, single submitter. Criteria: ACMG Guidelines, 2015. Collection method: clinical testing. Allele origin: germline.
Comment: The CEP164 c.1426C>T variant is predicted to result in the amino acid substitution p.Pro476Ser. To our knowledge, this variant has not been reported in the literature or in a large population database (gnomAD), indicating this variant is rare. At this time, the clinical significance of this variant is uncertain due to the absence of conclusive functional and genetic evidence.